The following is an entry in ClinVar:

ClinVar aggregate classification (germline): Pathogenic/Likely pathogenic. Review status: criteria provided, multiple submitters, no conflicts (2 of 4 stars). 5 submissions from 5 submitters: Pathogenic (3); Likely pathogenic (2). Last evaluated 2026-10-06.

Conditions:
Inborn genetic diseases. Identifiers: MedGen C0950123, MeSH D030342.
Intellectual developmental disorder, autosomal recessive 44. Also called: Intellectual disability, autosomal recessive 44. Identifiers: Orphanet 88616, MedGen C4014745, MONDO:0014409, OMIM 615942.
METTL23-related disorder. Also called: METTL23-related condition.

Submissions (5):

GeneDx
Classification: Pathogenic. Last evaluated: 2026-10-06. Review status: criteria provided, single submitter. Criteria: GeneDx Variant Classification Process June 2021. Collection method: clinical testing. Allele origin: germline.
Comment: Frameshift variant predicted to result in protein truncation or nonsense mediated decay in a gene for which loss of function is a known mechanism of disease; This variant is associated with the following publications: (PMID: 38523675, 38258498)

PreventionGenetics, part of Exact Sciences
Classification: Likely pathogenic for METTL23-related condition. Last evaluated: 2025-02-21. Review status: criteria provided, single submitter. Criteria: ACMG Guidelines, 2015. Collection method: clinical testing. Allele origin: germline.
Comment: The METTL23 c.174_177delTCTG variant is predicted to result in a frameshift and premature protein termination (p.Cys58Trpfs*10). To our knowledge, this variant has not been reported in individuals with METTL23-related conditions. This variant is reported in 0.0084% of alleles in individuals of European (Non-Finnish) descent in gnomAD. Frameshift variants in METTL23 are expected to be pathogenic. This variant is interpreted as likely pathogenic.

Labcorp Genetics (formerly Invitae), Labcorp
Classification: Pathogenic. Last evaluated: 2023-12-17. Review status: criteria provided, single submitter. Criteria: Invitae Variant Classification Sherloc (09022015). Collection method: clinical testing. Allele origin: germline.
Comment: This sequence change creates a premature translational stop signal (p.Cys58Trpfs*10) in the METTL23 gene. It is expected to result in an absent or disrupted protein product. Loss-of-function variants in METTL23 are known to be pathogenic (PMID: 24501276, 24626631). This variant is present in population databases (rs746453662, gnomAD 0.007%). This variant has not been reported in the literature in individuals affected with METTL23-related conditions. ClinVar contains an entry for this variant (Variation ID: 985456). For these reasons, this variant has been classified as Pathogenic.

Genomic Medicine Lab, University of California San Francisco
Classification: Likely pathogenic for Intellectual developmental disorder, autosomal recessive 44. Last evaluated: 2019-06-13. Review status: criteria provided, single submitter. Criteria: ACMG Guidelines, 2015. Collection method: clinical testing. Allele origin: maternal. Inheritance: Autosomal recessive inheritance. Affected: yes. Study: CSER-P3EGS.

Ambry Genetics
Classification: Pathogenic for Inborn genetic diseases. Last evaluated: 2018-03-16. Review status: criteria provided, single submitter. Criteria: Ambry exome assertion method (8-5-2015). Collection method: clinical testing. Allele origin: germline. Affected: yes. Observed: 1 variant allele.

Literature cited by the submitters: PubMed 24501276 (cited by Labcorp Genetics (formerly Invitae), Labcorp); PubMed 24626631 (cited by Labcorp Genetics (formerly Invitae), Labcorp).

NM_001080510.5(METTL23):c.174_177del (p.Cys58fs)

Gene: METTL23 (methyltransferase 23, arginine; plus strand). Cytogenetic location: 17q25.1.
Variant type: Deletion.
Coding change: c.174_177del on transcript NM_001080510.5 (MANE Select); coding-DNA positions 174 to 177, 4 bases deleted (TCTG; older notation c.174_177delTCTG).
Protein change: p.Cys58fs; shifts the reading frame from cysteine 58.
Molecular consequence: frameshift variant. On other transcripts: 5 prime UTR variant (5).
Genome position (GRCh38, 1-based): chr17:76,733,067-76,733,070, TCTG deleted; deleting any 4 consecutive bases within chr17:76,733,064-76,733,070 gives the same sequence; the c. name uses the placement nearest the transcript's 3' end. VCF-style (leftmost placement, unchanged base first): chr17-76733063-ACTGT-A. GRCh37 (hg19) VCF-style: chr17-74729145-ACTGT-A.
Other names: c.174_177delTCTG (NM_001080510.4); c.174_177del, p.Cys58fs (NM_001206983.3, NM_001206984.3, NM_001302703.2 and 2 more transcripts); c.-28_-25del (NM_001206985.3, NM_001206986.3, NM_001206987.3 and 2 more transcripts); c.162_165del, p.Cys54fs (NM_001302705.2, NM_001378350.1, NM_001378351.1 and 2 more transcripts); short protein forms C54fs, C58fs.
Identifiers: ClinVar variation 985456 (VCV000985456.15), dbSNP rs746453662, ClinGen allele CA8790081.
Genomic context (GRCh38, chr17:76,733,063, plus strand): 5'-GAATTTTGGCTGCCAAATGTGGTGCAGAAGTAATACTGTCAGACAGCTCAGAACTGCCTC[ACTGT>A]CTGGAAGTCTGTCGGCAAAGCTGCCAAATGAATAACCTGCCACATCTGCAGGTGGTAGGA-3'